The following is an entry in ClinVar:

ClinVar aggregate classification (germline): Uncertain significance (1 of 4 stars; one submission).

Conditions:
Weaver syndrome (WVS). Also called: Weaver Smith syndrome; Overgrowth syndrome with accelerated skeletal maturation, unusual facies, and camptodactyly. Identifiers: Orphanet 3447, MedGen C0265210, MONDO:0010193, OMIM 277590.

Submission:

Labcorp Genetics (formerly Invitae), Labcorp
Classification: Uncertain significance for Weaver syndrome. Last evaluated: 2022-07-12. Review status: criteria provided, single submitter. Criteria: Invitae Variant Classification Sherloc (09022015). Collection method: clinical testing. Allele origin: germline.
Comment: This variant is not present in population databases (gnomAD no frequency). In summary, the available evidence is currently insufficient to determine the role of this variant in disease. Therefore, it has been classified as a Variant of Uncertain Significance. Advanced modeling of protein sequence and biophysical properties (such as structural, functional, and spatial information, amino acid conservation, physicochemical variation, residue mobility, and thermodynamic stability) performed at Invitae indicates that this missense variant is not expected to disrupt EZH2 protein function. This variant has not been reported in the literature in individuals affected with EZH2-related conditions. This sequence change replaces threonine, which is neutral and polar, with alanine, which is neutral and non-polar, at codon 383 of the EZH2 protein (p.Thr383Ala).

NM_004456.5(EZH2):c.1147A>G (p.Thr383Ala)

Gene: EZH2 (enhancer of zeste 2 polycomb repressive complex 2 subunit; minus strand). Cytogenetic location: 7q36.1.
Variant type: single nucleotide variant.
Coding change: c.1147A>G on transcript NM_004456.5 (MANE Select); coding-DNA position 1147, A replaced by G.
Protein change: p.Thr383Ala; replaces threonine 383 with alanine.
Molecular consequence: missense variant.
Genome position (GRCh38, 1-based): chr7:148,817,970, T>C on the plus strand (A>G on the coding strand, the complement: EZH2 is on the minus strand). VCF-style: chr7-148817970-T-C. GRCh37 (hg19) VCF-style: chr7-148515062-T-C.
Other names: c.1132A>G, p.Thr378Ala (NM_001203247.2); c.1105A>G, p.Thr369Ala (NM_001203248.2, NM_001203249.2); c.1015A>G, p.Thr339Ala (NM_152998.3); short protein forms T339A, T383A, T369A, T378A.
Identifiers: ClinVar variation 2202201 (VCV002202201.4), dbSNP rs1805035034, ClinGen allele CA369716351.
Genomic context (GRCh38, chr7:148,817,970, plus strand): 5'-CTTCTTCTTTATCATTGTTCTCTCCCCCCGTTTCAGTCCCTGCTTCCCTATCACTGTCTG[T>C]ATCCTTTGATTCCAGCACATTAATGGTGGGGGTGCTGGGCCTGCTACTGTTATTGGGAAG-3'
Protein context (NP_004447.2, residues 373-393): PTINVLESKD[Thr383Ala]DSDREAGTET